The following is an entry in ClinVar:

ClinVar aggregate classification (germline): Likely benign. Review status: criteria provided, single submitter (1 of 4 stars). 2 submissions from 2 submitters: Likely benign (1). 1 of the submissions does not count toward it. Last evaluated 2025-06-22.

Conditions:
NTRK2-related disorder. Also called: NTRK2-related condition.

Allele frequency attached by ClinVar (database versions not stated): ExAC 0.00001; gnomAD exomes 0.00001; TOPMed 0.00001.
gnomAD v4.1: 21 of 1,614,102 alleles (0.0013%); highest among the groups gnomAD compares: Admixed American, 0.0017%; no homozygotes.

Submissions (2):

Labcorp Genetics (formerly Invitae), Labcorp
Classification: Likely benign. Last evaluated: 2025-06-22. Review status: criteria provided, single submitter. Criteria: Invitae Variant Classification Sherloc (09022015). Collection method: clinical testing. Allele origin: germline.

PreventionGenetics, part of Exact Sciences
Classification: Likely benign for NTRK2-related condition. Last evaluated: 2023-09-06. Review status: no assertion criteria provided. Collection method: clinical testing. Allele origin: germline. Not counted in ClinVar's aggregate classification.
Comment: This variant is classified as likely benign based on ACMG/AMP sequence variant interpretation guidelines (Richards et al. 2015 PMID: 25741868, with internal and published modifications).

NM_006180.6(NTRK2):c.1815C>T (p.Ala605=)

Gene: NTRK2 (neurotrophic receptor tyrosine kinase 2; plus strand). Cytogenetic location: 9q21.33.
Variant type: single nucleotide variant.
Coding change: c.1815C>T on transcript NM_006180.6 (MANE Select); coding-DNA position 1815, C replaced by T.
Protein change: p.Ala605=; no amino-acid change (alanine 605 retained).
Molecular consequence: synonymous variant.
Genome position (GRCh38, 1-based): chr9:84,948,512, C>T. VCF-style: chr9-84948512-C-T. GRCh37 (hg19) VCF-style: chr9-87563427-C-T.
Other names: c.1767C>T, p.Ala589= (NM_001018064.3, NM_001369532.1, NM_001369533.1); c.1731C>T, p.Ala577= (NM_001369534.1); c.1299C>T, p.Ala433= (NM_001369535.1); c.1347C>T, p.Ala449= (NM_001369536.1); c.1815C>T, p.Ala605= (NM_001381928.1); c.1815C>T (NM_006180.4).
Identifiers: ClinVar variation 2418387 (VCV002418387.9), dbSNP rs199934042, ClinGen allele CA5105851.